The following is an entry in ClinVar:

NM_018136.5(ASPM):c.9052A>G (p.Lys3018Glu)

Gene: ASPM (assembly factor for spindle microtubules; minus strand). Cytogenetic location: 1q31.3.
Variant type: single nucleotide variant.
Coding change: c.9052A>G on transcript NM_018136.5 (MANE Select); coding-DNA position 9052, A replaced by G.
Protein change: p.Lys3018Glu; replaces lysine 3018 with glutamic acid.
Molecular consequence: missense variant.
Genome position (GRCh38, 1-based): chr1:197,094,116, T>C on the plus strand (A>G on the coding strand, the complement: ASPM is on the minus strand). VCF-style: chr1-197094116-T-C. GRCh37 (hg19) VCF-style: chr1-197063246-T-C.
Other names: c.9052A>G (NM_018136.4); c.4297A>G, p.Lys1433Glu (NM_001206846.2); short protein forms K3018E, K1433E.
Identifiers: ClinVar variation 593359 (VCV000593359.11), dbSNP rs753961004, ClinGen allele CA1309067.

ClinVar aggregate classification (germline): Uncertain significance. Review status: criteria provided, multiple submitters, no conflicts (2 of 4 stars). 5 submissions from 5 submitters: Uncertain significance (5). Last evaluated 2025-10-14.

Conditions:
Inborn genetic diseases. Identifiers: MedGen C0950123, MeSH D030342.
Microcephaly 5, primary, autosomal recessive (MCPH5). Also called: ASPM Primary Microcephaly. Identifiers: Orphanet 2512, MedGen C1837501, MONDO:0012106, OMIM 608716.

Allele frequency attached by ClinVar (database versions not stated): gnomAD exomes 0.00001; ExAC 0.00002; TOPMed 0.00005; gnomAD 0.00007.
gnomAD v4.1: 17 of 1,606,168 alleles (0.0011%); highest among the groups gnomAD compares: African/African-American, 0.021%; no homozygotes.

Submissions (5):

Ambry Genetics
Classification: Uncertain significance for Inborn genetic diseases. Last evaluated: 2025-10-14. Review status: criteria provided, single submitter. Criteria: Ambry Variant Classification Scheme 2023. Collection method: clinical testing. Allele origin: germline.
Comment: The c.9052A>G (p.K3018E) alteration is located in exon 20 (coding exon 20) of the ASPM gene. This alteration results from a A to G substitution at nucleotide position 9052, causing the lysine (K) at amino acid position 3018 to be replaced by a glutamic acid (E). Based on data from gnomAD, the G allele has an overall frequency of 0.002% (5/277114) total alleles studied. The highest observed frequency was 0.021% (5/24336) of African alleles. Based on insufficient or conflicting evidence, the clinical significance of this alteration remains unclear.

Labcorp Genetics (formerly Invitae), Labcorp
Classification: Uncertain significance. Last evaluated: 2025-06-18. Review status: criteria provided, single submitter. Criteria: Invitae Variant Classification Sherloc (09022015). Collection method: clinical testing. Allele origin: germline.
Comment: This sequence change replaces lysine, which is basic and polar, with glutamic acid, which is acidic and polar, at codon 3018 of the ASPM protein (p.Lys3018Glu). This variant is present in population databases (rs753961004, gnomAD 0.02%). This variant has not been reported in the literature in individuals affected with ASPM-related conditions. ClinVar contains an entry for this variant (Variation ID: 593359). An algorithm developed to predict the effect of missense changes on protein structure and function (PolyPhen-2) suggests that this variant is likely to be tolerated. In summary, the available evidence is currently insufficient to determine the role of this variant in disease. Therefore, it has been classified as a Variant of Uncertain Significance.

Genome-Nilou Lab
Classification: Uncertain significance for Microcephaly 5, primary, autosomal recessive. Last evaluated: 2023-04-11. Review status: criteria provided, single submitter. Criteria: ACMG Guidelines, 2015. Collection method: clinical testing. Allele origin: germline. Affected: no.

Eurofins Ntd Llc (ga)
Classification: Uncertain significance. Last evaluated: 2017-07-28. Review status: criteria provided, single submitter. Criteria: EGL Classification Definitions 2015. Collection method: clinical testing. Allele origin: germline. Observed: 1 variant allele, 1 heterozygote.

Breakthrough Genomics
Classification: Uncertain significance. Review status: criteria provided, single submitter. Criteria: ACMG Guidelines, 2015. Collection method: not provided. Allele origin: germline. Inheritance: Autosomal recessive inheritance. Affected: yes.